The following is an entry in ClinVar:

ClinVar aggregate classification (germline): Uncertain significance. Review status: criteria provided, multiple submitters, no conflicts (2 of 4 stars). 2 submissions from 2 submitters: Uncertain significance (2). Last evaluated 2025-06-26.

Conditions:
Arrhythmogenic right ventricular dysplasia 8 (ARVD8). Also called: ARRHYTHMOGENIC RIGHT VENTRICULAR DYSPLASIA, FAMILIAL, 8; Arrhythmogenic Right Ventricular Dysplasia/Cardiomyopathy 8; ARRHYTHMOGENIC RIGHT VENTRICULAR CARDIOMYOPATHY 8. Identifiers: MedGen C1843896, MONDO:0011831, OMIM 607450.
Arrhythmogenic cardiomyopathy with wooly hair and keratoderma. Also called: Dilated cardiomyopathy with woolly hair and keratoderma; Carvajal syndrome; Arrhythmogenic cardiomyopathy with woolly hair and keratoderma; PALMOPLANTAR KERATODERMA WITH LEFT VENTRICULAR CARDIOMYOPATHY AND WOOLLY HAIR. Identifiers: Orphanet 65282, MedGen C1854063, MONDO:0011581, OMIM 605676.

Submissions (2):

GeneDx
Classification: Uncertain significance. Last evaluated: 2025-06-26. Review status: criteria provided, single submitter. Criteria: GeneDx Variant Classification Process June 2021. Collection method: clinical testing. Allele origin: germline. Affected: yes.
Comment: Not observed at significant frequency in large population cohorts (gnomAD); In silico analysis suggests that this missense variant does not alter protein structure/function; Has not been previously published as pathogenic or benign to our knowledge

Labcorp Genetics (formerly Invitae), Labcorp
Classification: Uncertain significance for Arrhythmogenic cardiomyopathy with wooly hair and keratoderma; Arrhythmogenic right ventricular dysplasia 8. Last evaluated: 2020-05-10. Review status: criteria provided, single submitter. Criteria: Invitae Variant Classification Sherloc (09022015). Collection method: clinical testing. Allele origin: germline.
Comment: In summary, the available evidence is currently insufficient to determine the role of this variant in disease. Therefore, it has been classified as a Variant of Uncertain Significance. Algorithms developed to predict the effect of missense changes on protein structure and function are either unavailable or do not agree on the potential impact of this missense change (SIFT: "Deleterious"; PolyPhen-2: "Possibly Damaging"; Align-GVGD: "Class C0"). This variant has not been reported in the literature in individuals with DSP-related conditions. This variant is not present in population databases (ExAC no frequency). This sequence change replaces serine with phenylalanine at codon 2827 of the DSP protein (p.Ser2827Phe). The serine residue is moderately conserved and there is a large physicochemical difference between serine and phenylalanine.

NM_004415.4(DSP):c.8480C>T (p.Ser2827Phe)

Gene: DSP (desmoplakin; plus strand). Cytogenetic location: 6p24.3.
Variant type: single nucleotide variant.
Coding change: c.8480C>T on transcript NM_004415.4 (MANE Select); coding-DNA position 8480, C replaced by T.
Protein change: p.Ser2827Phe; replaces serine 2827 with phenylalanine.
Molecular consequence: missense variant.
Genome position (GRCh38, 1-based): chr6:7,585,742, C>T. VCF-style: chr6-7585742-C-T. GRCh37 (hg19) VCF-style: chr6-7585975-C-T.
Other names: c.8480C>T (NM_004415.2); c.6683C>T, p.Ser2228Phe (NM_001008844.3); c.7151C>T, p.Ser2384Phe (NM_001319034.2); short protein forms S2228F, S2384F, S2827F.
Identifiers: ClinVar variation 1019287 (VCV001019287.10), dbSNP rs746773800, ClinGen allele CA362695234.